The following is an entry in ClinVar:

NM_007186.6(CEP250):c.7064A>C (p.Glu2355Ala)

Gene: CEP250 (centrosomal protein 250; plus strand). Cytogenetic location: 20q11.22.
Variant type: single nucleotide variant.
Coding change: c.7064A>C on transcript NM_007186.6 (MANE Select); coding-DNA position 7064, A replaced by C.
Protein change: p.Glu2355Ala; replaces glutamic acid 2355 with alanine.
Molecular consequence: missense variant.
Genome position (GRCh38, 1-based): chr20:35,510,053, A>C. VCF-style: chr20-35510053-A-C. GRCh37 (hg19) VCF-style: chr20-34097882-A-C.
Other names: c.5168A>C, p.Glu1723Ala (NM_001318219.1); short protein forms E1723A, E2355A.
Identifiers: ClinVar variation 1464224 (VCV001464224.5), dbSNP rs1455011426, ClinGen allele CA408761431.

ClinVar aggregate classification (germline): Uncertain significance (1 of 4 stars; one submission).

Allele frequency attached by ClinVar (database versions not stated): gnomAD exomes below 0.00001.

Submission:

Labcorp Genetics (formerly Invitae), Labcorp
Classification: Uncertain significance. Last evaluated: 2021-10-23. Review status: criteria provided, single submitter. Criteria: Invitae Variant Classification Sherloc (09022015). Collection method: clinical testing. Allele origin: germline.
Comment: In summary, the available evidence is currently insufficient to determine the role of this variant in disease. Therefore, it has been classified as a Variant of Uncertain Significance. Algorithms developed to predict the effect of missense changes on protein structure and function are either unavailable or do not agree on the potential impact of this missense change (SIFT: "Not Available"; PolyPhen-2: "Possibly Damaging"; Align-GVGD: "Not Available"). This variant has not been reported in the literature in individuals affected with CEP250-related conditions. This variant is not present in population databases (ExAC no frequency). This sequence change replaces glutamic acid with alanine at codon 2355 of the CEP250 protein (p.Glu2355Ala). The glutamic acid residue is weakly conserved and there is a moderate physicochemical difference between glutamic acid and alanine.